The following is an entry in ClinVar:

NM_000384.3(APOB):c.12725T>C (p.Leu4242Pro)

Gene: APOB (apolipoprotein B; minus strand). Cytogenetic location: 2p24.1.
Variant type: single nucleotide variant.
Coding change: c.12725T>C on transcript NM_000384.3 (MANE Select); coding-DNA position 12725, T replaced by C.
Protein change: p.Leu4242Pro; replaces leucine 4242 with proline.
Molecular consequence: missense variant.
Genome position (GRCh38, 1-based): chr2:21,002,697, A>G on the plus strand (T>C on the coding strand, the complement: APOB is on the minus strand). VCF-style: chr2-21002697-A-G. GRCh37 (hg19) VCF-style: chr2-21225569-A-G.
Other names: short protein forms L4242P.
Identifiers: ClinVar variation 4125054 (VCV004125054.1).

ClinVar aggregate classification (germline): Uncertain significance (1 of 4 stars; one submission).

Conditions:
Cardiovascular phenotype. Identifiers: MedGen CN230736.

Submission:

Ambry Genetics
Classification: Uncertain significance for Cardiovascular phenotype. Last evaluated: 2025-07-21. Review status: criteria provided, single submitter. Criteria: Ambry Variant Classification Scheme 2023. Collection method: clinical testing. Allele origin: germline.
Comment: The p.L4242P variant (also known as c.12725T>C), located in coding exon 29 of the APOB gene, results from a T to C substitution at nucleotide position 12725. The leucine at codon 4242 is replaced by proline, an amino acid with similar properties. This amino acid position is conserved. In addition, the in silico prediction for this alteration is inconclusive. Based on the available evidence, the clinical significance of this variant remains unclear.